The following is an entry in ClinVar:

NM_018249.6(CDK5RAP2):c.5577A>G (p.Gln1859=)

Gene: CDK5RAP2 (CDK5 regulatory subunit associated protein 2; minus strand). Cytogenetic location: 9q33.2.
Variant type: single nucleotide variant.
Coding change: c.5577A>G on transcript NM_018249.6 (MANE Select); coding-DNA position 5577, A replaced by G.
Protein change: p.Gln1859=; no amino-acid change (glutamine 1859 retained).
Molecular consequence: synonymous variant. On other transcripts: non-coding transcript variant (5).
Genome position (GRCh38, 1-based): chr9:120,394,513, T>C on the plus strand (A>G on the coding strand, the complement: CDK5RAP2 is on the minus strand). VCF-style: chr9-120394513-T-C. GRCh37 (hg19) VCF-style: chr9-123156791-T-C.
Other names: c.5340A>G, p.Gln1780= (NM_001011649.3); c.4887A>G, p.Gln1629= (NM_001272039.2); c.5478A>G, p.Gln1826= (NM_001410992.1); c.5481A>G, p.Gln1827= (NM_001410993.1); c.5574A>G, p.Gln1858= (NM_001410994.1).
Identifiers: ClinVar variation 4694592 (VCV004694592.1).

ClinVar aggregate classification (germline): Uncertain significance (1 of 4 stars; one submission).

gnomAD v4.1: 7 of 1,614,046 alleles (0.00043%); highest among the groups gnomAD compares: African/African-American, 0.0053%; no homozygotes.

Submission:

Labcorp Genetics (formerly Invitae), Labcorp
Classification: Uncertain significance. Last evaluated: 2025-04-28. Review status: criteria provided, single submitter. Criteria: Invitae Variant Classification Sherloc (09022015). Collection method: clinical testing. Allele origin: germline.
Comment: This sequence change affects codon 1859 of the CDK5RAP2 mRNA. It is a 'silent' change, meaning that it does not change the encoded amino acid sequence of the CDK5RAP2 protein. It affects a nucleotide within the consensus splice site. This variant is present in population databases (no rsID available, gnomAD 0.007%). This variant has not been reported in the literature in individuals affected with CDK5RAP2-related conditions. Algorithms developed to predict the effect of sequence changes on RNA splicing suggest that this variant may create or strengthen a splice site. In summary, the available evidence is currently insufficient to determine the role of this variant in disease. Therefore, it has been classified as a Variant of Uncertain Significance.